The following is an entry in ClinVar:

ClinVar aggregate classification (germline): Conflicting classifications of pathogenicity. Review status: criteria provided, conflicting classifications (1 of 4 stars). 3 submissions from 3 submitters: Uncertain significance (1); Likely benign (2). Last evaluated 2025-11-01.

Conditions:
Norman-Roberts syndrome (LIS2). Also called: Lissencephaly 2 (Norman-Roberts type). Identifiers: Orphanet 89844, MedGen C0796089, MONDO:0009760, OMIM 257320.
Familial temporal lobe epilepsy 7. Identifiers: Orphanet 101046, MedGen C4225327, MONDO:0014639, OMIM 616436.

Allele frequency attached by ClinVar (database versions not stated): ExAC 0.00001; gnomAD exomes 0.00001; gnomAD 0.00008 and 0.00009; TOPMed 0.00011.
gnomAD v4.1: 28 of 1,613,962 alleles (0.0017%); highest among the groups gnomAD compares: African/African-American, 0.031%; no homozygotes.

Submissions (3):

CeGaT Center for Human Genetics Tuebingen
Classification: Uncertain significance. Last evaluated: 2025-11-01. Review status: criteria provided, single submitter. Criteria: CeGaT Center For Human Genetics Tuebingen Variant Classification Criteria Version 2. Collection method: clinical testing. Allele origin: germline. Affected: yes. Observed: 1 variant allele.
Comment: RELN: PM2, BP4

Labcorp Genetics (formerly Invitae), Labcorp
Classification: Likely benign for Familial temporal lobe epilepsy 7; Norman-Roberts syndrome. Last evaluated: 2025-09-14. Review status: criteria provided, single submitter. Criteria: Invitae Variant Classification Sherloc (09022015). Collection method: clinical testing. Allele origin: germline.

Mayo Clinic Laboratories, Mayo Clinic
Classification: Likely benign. Last evaluated: 2025-03-11. Review status: criteria provided, single submitter. Criteria: ACMG Guidelines, 2015. Collection method: clinical testing. Allele origin: germline. Observed: 1 variant allele.
Comment: BP4, BP7

NM_005045.4(RELN):c.6189C>T (p.Ser2063=)

Gene: RELN (reelin; minus strand). Cytogenetic location: 7q22.1.
Variant type: single nucleotide variant.
Coding change: c.6189C>T on transcript NM_005045.4 (MANE Select); coding-DNA position 6189, C replaced by T.
Protein change: p.Ser2063=; no amino-acid change (serine 2063 retained).
Molecular consequence: synonymous variant.
Genome position (GRCh38, 1-based): chr7:103,551,180, G>A on the plus strand (C>T on the coding strand, the complement: RELN is on the minus strand). VCF-style: chr7-103551180-G-A. GRCh37 (hg19) VCF-style: chr7-103191627-G-A.
Other names: p.Ser2063=; c.6189C>T, p.Ser2063= (NM_173054.3).
Identifiers: ClinVar variation 1108525 (VCV001108525.13), dbSNP rs529198383, ClinGen allele CA4421008.